The following is an entry in ClinVar:

ClinVar aggregate classification (germline): Uncertain significance (1 of 4 stars; one submission).

Conditions:
Cardiovascular phenotype. Identifiers: MedGen CN230736.

Submission:

Ambry Genetics
Classification: Uncertain significance for Cardiovascular phenotype. Last evaluated: 2025-03-09. Review status: criteria provided, single submitter. Criteria: Ambry Variant Classification Scheme 2023. Collection method: clinical testing. Allele origin: germline.
Comment: The p.V1518A variant (also known as c.4553T>C), located in coding exon 26 of the SCN10A gene, results from a T to C substitution at nucleotide position 4553. The valine at codon 1518 is replaced by alanine, an amino acid with similar properties. This amino acid position is conserved. In addition, the in silico prediction for this alteration is inconclusive. Based on the available evidence, the clinical significance of this variant remains unclear.

NM_006514.4(SCN10A):c.4553T>C (p.Val1518Ala)

Gene: SCN10A (sodium voltage-gated channel alpha subunit 10; minus strand). Cytogenetic location: 3p22.2.
Variant type: single nucleotide variant.
Coding change: c.4553T>C on transcript NM_006514.4 (MANE Select); coding-DNA position 4553, T replaced by C.
Protein change: p.Val1518Ala; replaces valine 1518 with alanine.
Molecular consequence: missense variant.
Genome position (GRCh38, 1-based): chr3:38,701,943, A>G on the plus strand (T>C on the coding strand, the complement: SCN10A is on the minus strand). VCF-style: chr3-38701943-A-G. GRCh37 (hg19) VCF-style: chr3-38743434-A-G.
Other names: c.4550T>C, p.Val1517Ala (NM_001293306.2); c.4259T>C, p.Val1420Ala (NM_001293307.2); short protein forms V1518A, V1517A, V1420A.
Identifiers: ClinVar variation 3793157 (VCV003793157.1).